The following is an entry in ClinVar:

NM_006767.4(LZTR1):c.861T>G (p.His287Gln)

Gene: LZTR1 (leucine zipper like post translational regulator 1; plus strand). Cytogenetic location: 22q11.21.
Variant type: single nucleotide variant.
Coding change: c.861T>G on transcript NM_006767.4 (MANE Select); coding-DNA position 861, T replaced by G.
Protein change: p.His287Gln; replaces histidine 287 with glutamine.
Molecular consequence: missense variant.
Genome position (GRCh38, 1-based): chr22:20,991,697, T>G. VCF-style: chr22-20991697-T-G. GRCh37 (hg19) VCF-style: chr22-21345986-T-G.
Other names: short protein forms H287Q.
Identifiers: ClinVar variation 3238355 (VCV003238355.1), dbSNP rs2147964926.

ClinVar aggregate classification (germline): Uncertain significance (1 of 4 stars; one submission).

Conditions:
Hereditary cancer-predisposing syndrome. Also called: Neoplastic Syndromes, Hereditary; Tumor predisposition; Hereditary neoplastic syndrome; Hereditary Cancer Syndrome. Identifiers: Orphanet 140162, MedGen C0027672, MeSH D009386, MONDO:0015356.
Cardiovascular phenotype. Identifiers: MedGen CN230736.

Submission:

Ambry Genetics
Classification: Uncertain significance for Cardiovascular phenotype; Hereditary cancer-predisposing syndrome. Last evaluated: 2023-11-21. Review status: criteria provided, single submitter. Criteria: Ambry Variant Classification Scheme 2023. Collection method: clinical testing. Allele origin: germline.
Comment: The p.H287Q variant (also known as c.861T>G), located in coding exon 9 of the LZTR1 gene, results from a T to G substitution at nucleotide position 861. The histidine at codon 287 is replaced by glutamine, an amino acid with highly similar properties. This amino acid position is conserved. In addition, this alteration is predicted to be deleterious by in silico analysis. Since supporting evidence is limited at this time, the clinical significance of this alteration remains unclear.